The following is an entry in ClinVar:

ClinVar aggregate classification (germline): Uncertain significance (1 of 4 stars; one submission).

gnomAD v4.1: 1 of 1,526,878 alleles (0.000065%); highest among the groups gnomAD compares: East Asian, 0.0024%; no homozygotes.

Submission:

Ambry Genetics
Classification: Uncertain significance. Last evaluated: 2025-11-13. Review status: criteria provided, single submitter. Criteria: Ambry Variant Classification Scheme 2023. Collection method: clinical testing. Allele origin: germline.
Comment: The p.G373D variant (also known as c.1118G>A), located in coding exon 8 of the RNF43 gene, results from a G to A substitution at nucleotide position 1118. The glycine at codon 373 is replaced by aspartic acid, an amino acid with similar properties. This amino acid position is conserved. In addition, this alteration is predicted to be tolerated by in silico analysis. Based on the available evidence, the clinical significance of this variant remains unclear.

NM_017763.6(RNF43):c.1118G>A (p.Gly373Asp)

Gene: RNF43 (ring finger protein 43; minus strand). Cytogenetic location: 17q22.
Variant type: single nucleotide variant.
Coding change: c.1118G>A on transcript NM_017763.6 (MANE Select); coding-DNA position 1118, G replaced by A.
Protein change: p.Gly373Asp; replaces glycine 373 with aspartic acid.
Molecular consequence: missense variant.
Genome position (GRCh38, 1-based): chr17:58,358,658, C>T on the plus strand (G>A on the coding strand, the complement: RNF43 is on the minus strand). VCF-style: chr17-58358658-C-T. GRCh37 (hg19) VCF-style: chr17-56436019-C-T.
Other names: c.1118G>A, p.Gly373Asp (NM_001305544.3, NM_001438820.1, NM_001438821.1 and 1 more transcripts); c.737G>A, p.Gly246Asp (NM_001305545.2, NM_001437987.1); short protein forms G246D, G373D.
Identifiers: ClinVar variation 4578996 (VCV004578996.1).
Genomic context (GRCh38, chr17:58,358,658, plus strand): 5'-GCTCTGGGGAAGCGGTGATGCCGAGGGCCCATGCCTGGCTCCTGGGATGGCAGGAAGGGA[C>T]CAGGTCGTGGGGGCCGAGCCACTGCACTCCGGGAAGGGCCCAACAGGTAGGCAGCAGGGA-3'
Protein context (NP_060233.3, residues 363-383): RSAVARPPRP[Gly373Asp]PFLPSQEPGM